The following is an entry in ClinVar:

ClinVar aggregate classification (germline): Pathogenic. Review status: criteria provided, multiple submitters, no conflicts (2 of 4 stars). 3 submissions from 3 submitters: Pathogenic (2). 1 of the submissions does not count toward it. Last evaluated 2023-06-01.

Conditions:
Epidermolysis bullosa simplex 2A, generalized severe. Also called: Epidermolysis bullosa simplex 2, generalized severe; Epidermolysis bullosa simplex 2, Dowling-Meara type; Epidermolysis bullosa simplex 2, severe. Identifiers: MedGen CN301077, MONDO:0030489, OMIM 619555.
KRT5-related disorder. Also called: KRT5-related condition.

Submissions (3):

Blueprint Genetics
Classification: Pathogenic for KRT5-related disorders. Last evaluated: 2023-06-01. Review status: criteria provided, single submitter. Criteria: ACMG Guidelines, 2015. Collection method: clinical testing. Allele origin: germline. Affected: yes. Observed: 1 variant allele.

GeneDx
Classification: Pathogenic. Last evaluated: 2022-05-13. Review status: criteria provided, single submitter. Criteria: GeneDx Variant Classification Process June 2021. Collection method: clinical testing. Allele origin: germline. Affected: yes.
Comment: Canonical splice site variant expected to result in aberrant splicing; Sequencing of cDNA from cultured keratinocytes demonstrates that this variant leads to use of a cryptic donor splice site located 66 nucleotides upstream from the normal donor splice site of intron 1, resulting in a shortened polypeptide that disrupts normal keratin filament assembly (Rugg et al., 1999); Not observed at significant frequency in large population cohorts (gnomAD); This variant is associated with the following publications: (PMID: 25525159, 10234505, 29932457, 31001817, 32484238)

OMIM
Classification: Pathogenic for EPIDERMOLYSIS BULLOSA SIMPLEX 2A, GENERALIZED SEVERE. Last evaluated: 1999-04-01. Review status: no assertion criteria provided. Collection method: literature only. Allele origin: germline. Not counted in ClinVar's aggregate classification.

Literature cited by the submitters: PubMed 10234505 (cited by OMIM).

NM_000424.4(KRT5):c.555+1G>A

Gene: KRT5 (keratin 5; minus strand). Cytogenetic location: 12q13.13.
Variant type: single nucleotide variant.
Coding change: c.555+1G>A on transcript NM_000424.4 (MANE Select); the canonical splice donor site of the intron after coding-DNA position 555, G replaced by A.
Molecular consequence: splice donor variant.
Genome position (GRCh38, 1-based): chr12:52,519,741, C>T on the plus strand (G>A on the coding strand, the complement: KRT5 is on the minus strand). VCF-style: chr12-52519741-C-T. GRCh37 (hg19) VCF-style: chr12-52913525-C-T.
Other names: IVS1DS, G-A, +1.
Identifiers: ClinVar variation 265218 (VCV000265218.9), dbSNP rs886039403, ClinGen allele CA10588554.